The following is an entry in ClinVar:

NM_014991.6(WDFY3):c.2171G>C (p.Cys724Ser)

Genes: WDFY3 (WD repeat and FYVE domain containing 3; minus strand), WDFY3-AS1 (WDFY3 antisense RNA 1; plus strand). Cytogenetic location: 4q21.23.
Variant type: single nucleotide variant.
Coding change: c.2171G>C on transcript NM_014991.6 (MANE Select); coding-DNA position 2171, G replaced by C.
Protein change: p.Cys724Ser; replaces cysteine 724 with serine.
Molecular consequence: missense variant. On other transcripts: non-coding transcript variant (1).
Genome position (GRCh38, 1-based): chr4:84,810,061, C>G on the plus strand (G>C on the coding strand, the complement: WDFY3 is on the minus strand). VCF-style: chr4-84810061-C-G. GRCh37 (hg19) VCF-style: chr4-85731214-C-G.
Other names: short protein forms C724S.
Identifiers: ClinVar variation 1329840 (VCV001329840.2), dbSNP rs2149727550, ClinGen allele CA357568148.

ClinVar aggregate classification (germline): Uncertain significance (1 of 4 stars; one submission).

Submission:

GeneDx
Classification: Uncertain significance. Last evaluated: 2021-06-22. Review status: criteria provided, single submitter. Criteria: GeneDx Variant Classification Process June 2021. Collection method: clinical testing. Allele origin: germline. Affected: yes.
Comment: Not observed at significant frequency in large population cohorts (Lek et al., 2016); In silico analysis supports that this missense variant has a deleterious effect on protein structure/function; Has not been previously published as pathogenic or benign to our knowledge; This variant is associated with the following publications: (PMID: 27535533)